The following is an entry in ClinVar:

ClinVar aggregate classification (germline): Uncertain significance (1 of 4 stars; one submission).

Conditions:
Hereditary breast ovarian cancer syndrome. Also called: Hereditary breast and ovarian cancer syndrome (HBOC); Hereditary breast and/or ovarian cancer syndrome; BRCA1- and BRCA2-Associated Hereditary Breast and Ovarian Cancer; Hereditary breast and ovarian cancer syndrome; Hereditary breast and ovarian cancer; Breast and ovarian cancer. Identifiers: Orphanet 145, MedGen C0677776, MeSH D061325, MONDO:0003582. Disease mechanism: loss of function.

Submission:

Labcorp Genetics (formerly Invitae), Labcorp
Classification: Uncertain significance for Hereditary breast ovarian cancer syndrome. Last evaluated: 2022-08-15. Review status: criteria provided, single submitter. Criteria: Invitae Variant Classification Sherloc (09022015). Collection method: clinical testing. Allele origin: germline.
Comment: This variant has not been reported in the literature in individuals affected with BRCA2-related conditions. ClinVar contains an entry for this variant (Variation ID: 1015352). Advanced modeling of protein sequence and biophysical properties (such as structural, functional, and spatial information, amino acid conservation, physicochemical variation, residue mobility, and thermodynamic stability) performed at Invitae indicates that this missense variant is not expected to disrupt BRCA2 protein function. In summary, the available evidence is currently insufficient to determine the role of this variant in disease. Therefore, it has been classified as a Variant of Uncertain Significance. This sequence change replaces leucine, which is neutral and non-polar, with phenylalanine, which is neutral and non-polar, at codon 2972 of the BRCA2 protein (p.Leu2972Phe). This variant is not present in population databases (gnomAD no frequency).

NM_000059.4(BRCA2):c.8916G>T (p.Leu2972Phe)

Gene: BRCA2 (BRCA2 DNA repair associated; plus strand). Cytogenetic location: 13q13.1.
Variant type: single nucleotide variant.
Coding change: c.8916G>T on transcript NM_000059.4 (MANE Select); coding-DNA position 8916, G replaced by T.
Protein change: p.Leu2972Phe; replaces leucine 2972 with phenylalanine.
Molecular consequence: missense variant.
Genome position (GRCh38, 1-based): chr13:32,379,478, G>T. VCF-style: chr13-32379478-G-T. GRCh37 (hg19) VCF-style: chr13-32953615-G-T.
Other names: short protein forms L2972F.
Identifiers: ClinVar variation 1015352 (VCV001015352.12), dbSNP rs1060504636, ClinGen allele CA387757275.